The following is an entry in ClinVar:

NM_017763.6(RNF43):c.915G>C (p.Gln305His)

Gene: RNF43 (ring finger protein 43; minus strand). Cytogenetic location: 17q22.
Variant type: single nucleotide variant.
Coding change: c.915G>C on transcript NM_017763.6 (MANE Select); coding-DNA position 915, G replaced by C.
Protein change: p.Gln305His; replaces glutamine 305 with histidine.
Molecular consequence: missense variant.
Genome position (GRCh38, 1-based): chr17:58,360,186, C>G on the plus strand (G>C on the coding strand, the complement: RNF43 is on the minus strand). VCF-style: chr17-58360186-C-G. GRCh37 (hg19) VCF-style: chr17-56437547-C-G.
Other names: c.915G>C, p.Gln305His (NM_001305544.3); c.534G>C, p.Gln178His (NM_001305545.2); short protein forms Q305H, Q178H.
Identifiers: ClinVar variation 1509354 (VCV001509354.8), dbSNP rs780084119, ClinGen allele CA8673268.

ClinVar aggregate classification (germline): Uncertain significance (1 of 4 stars; one submission).

Allele frequency attached by ClinVar (database versions not stated): gnomAD exomes below 0.00001; ExAC 0.00001.
gnomAD v4.1: 1 of 1,614,004 alleles (0.000062%); highest among the groups gnomAD compares: Admixed American, 0.0017%; no homozygotes.

Submission:

Labcorp Genetics (formerly Invitae), Labcorp
Classification: Uncertain significance. Last evaluated: 2023-08-04. Review status: criteria provided, single submitter. Criteria: Invitae Variant Classification Sherloc (09022015). Collection method: clinical testing. Allele origin: germline.
Comment: This sequence change replaces glutamine, which is neutral and polar, with histidine, which is basic and polar, at codon 305 of the RNF43 protein (p.Gln305His). This variant is present in population databases (rs780084119, gnomAD 0.003%). This variant has not been reported in the literature in individuals affected with RNF43-related conditions. ClinVar contains an entry for this variant (Variation ID: 1509354). An algorithm developed to predict the effect of missense changes on protein structure and function (PolyPhen-2) suggests that this variant is likely to be disruptive. In summary, the available evidence is currently insufficient to determine the role of this variant in disease. Therefore, it has been classified as a Variant of Uncertain Significance.